The following is an entry in ClinVar:

ClinVar aggregate classification (germline): Uncertain significance (1 of 4 stars; one submission).

Conditions:
Beckwith-Wiedemann syndrome (BWS). Also called: Exomphalos macroglossia gigantism syndrome; EMG SYNDROME. Identifiers: Orphanet 116, MedGen C0004903, MONDO:0007534, OMIM 130650.

Submission:

Labcorp Genetics (formerly Invitae), Labcorp
Classification: Uncertain significance for Beckwith-Wiedemann syndrome. Last evaluated: 2019-05-13. Review status: criteria provided, single submitter. Criteria: Invitae Variant Classification Sherloc (09022015). Collection method: clinical testing. Allele origin: germline.
Comment: This variant disrupts the p.Tyr63 amino acid residue in CDKN1C. Other variant(s) that disrupt this residue have been observed in individuals with CDKN1C-related conditions (PMID: 22140035, 27436784), which suggests that this may be a clinically significant amino acid residue. This variant has been reported to partially affect CDKN1C protein function (PMID: 9311733). This variant has been observed in an individual affected with Beckwith-Wiedemann syndrome (PMID: 9311733). This variant is also known as deletion of 9 nt (445 –453 cDNA) in the literature. This variant is not present in population databases (ExAC no frequency). This variant, c.185_193del, results in the deletion of three and insertion of one amino acid(s) of the CDKN1C protein (p.Asp62_Phe65delinsVal), but otherwise preserves the integrity of the reading frame. In summary, the available evidence is currently insufficient to determine the role of this variant in disease. Therefore, it has been classified as a Variant of Uncertain Significance.

Literature cited by the submitters: PubMed 22140035; PubMed 27436784; PubMed 9311733.

NM_001122630.2(CDKN1C):c.152_160del (p.Asp51_Phe54delinsVal)

Gene: CDKN1C (cyclin dependent kinase inhibitor 1C; minus strand). Cytogenetic location: 11p15.4.
Variant type: Deletion.
Coding change: c.152_160del on transcript NM_001122630.2 (MANE Select); coding-DNA positions 152 to 160, 9 bases deleted (ATTACGACT; older notation c.152_160delATTACGACT).
Protein change: p.Asp51_Phe54delinsVal.
Molecular consequence: inframe indel.
Genome position (GRCh38, 1-based): chr11:2,885,297-2,885,305, AGTCGTAAT deleted on the plus strand (ATTACGACT on the coding strand, the reverse complement: CDKN1C is on the minus strand). VCF-style (leftmost placement, unchanged base first): chr11-2885296-AAGTCGTAAT-A. GRCh37 (hg19) VCF-style: chr11-2906526-AAGTCGTAAT-A.
Other names: c.185_193del, p.Asp62_Phe65delinsVal (NM_000076.2, NM_001362474.2); c.152_160del, p.Asp51_Phe54delinsVal (NM_001122631.2, NM_001362475.2).
Identifiers: ClinVar variation 947417 (VCV000947417.8), dbSNP rs1848973414, ClinGen allele CA1139661763.